The following is an entry in ClinVar:

ClinVar aggregate classification (germline): Uncertain significance. Review status: criteria provided, multiple submitters, no conflicts (2 of 4 stars). 2 submissions from 2 submitters: Uncertain significance (2). Last evaluated 2026-08-08.

Conditions:
Long QT syndrome (LQTS). Identifiers: MedGen C0023976, MeSH D008133, MONDO:0002442. Disease mechanism: loss of function. Inheritance: Various modes of inheritance.
Cardiovascular phenotype. Identifiers: MedGen CN230736.

gnomAD v4.1: 1 of 1,614,102 alleles (0.000062%); highest among the groups gnomAD compares: African/African-American, 0.0013%; no homozygotes.

Submissions (2):

Ambry Genetics
Classification: Uncertain significance for Cardiovascular phenotype. Last evaluated: 2026-08-08. Review status: criteria provided, single submitter. Criteria: Ambry Variant Classification Scheme 2023. Collection method: clinical testing. Allele origin: germline.
Comment: The p.Q1605R variant (also known as c.4814A>G), located in coding exon 38 of the ANK2 gene, results from an A to G substitution at nucleotide position 4814. The glutamine at codon 1605 is replaced by arginine, an amino acid with highly similar properties. This amino acid position is conserved. In addition, this alteration is predicted to be tolerated by in silico analysis. Based on the available evidence, the clinical significance of this variant remains unclear.

Labcorp Genetics (formerly Invitae), Labcorp
Classification: Uncertain significance for Long QT syndrome. Last evaluated: 2024-11-26. Review status: criteria provided, single submitter. Criteria: Invitae Variant Classification Sherloc (09022015). Collection method: clinical testing. Allele origin: germline.
Comment: This sequence change replaces glutamine, which is neutral and polar, with arginine, which is basic and polar, at codon 1605 of the ANK2 protein (p.Gln1605Arg). This variant is not present in population databases (gnomAD no frequency). This variant has not been reported in the literature in individuals affected with ANK2-related conditions. An algorithm developed to predict the effect of missense changes on protein structure and function outputs the following: PolyPhen-2: "Benign". The arginine amino acid residue is found in multiple mammalian species, which suggests that this missense change does not adversely affect protein function. In summary, the available evidence is currently insufficient to determine the role of this variant in disease. Therefore, it has been classified as a Variant of Uncertain Significance.

NM_001148.6(ANK2):c.4814A>G (p.Gln1605Arg)

Gene: ANK2 (ankyrin 2; plus strand). Cytogenetic location: 4q26.
Variant type: single nucleotide variant.
Coding change: c.4814A>G on transcript NM_001148.6 (MANE Select); coding-DNA position 4814, A replaced by G.
Protein change: p.Gln1605Arg; replaces glutamine 1605 with arginine.
Molecular consequence: missense variant. On other transcripts: intron variant (68).
Genome position (GRCh38, 1-based): chr4:113,353,432, A>G. VCF-style: chr4-113353432-A-G. GRCh37 (hg19) VCF-style: chr4-114274588-A-G.
Other names: c.4201+3183A>G (NM_001354253.2, NM_001354270.2); c.4165+3183A>G (NM_001354257.2, NM_001386156.1); c.4580A>G, p.Gln1527Arg (NM_001386142.1); c.4240+3183A>G (NM_001354249.2, NM_001354266.2, NM_001354276.2 and 2 more transcripts); c.1214A>G, p.Gln405Arg (NM_001386166.1); c.4955A>G, p.Gln1652Arg (NM_001386174.1); c.4207+3183A>G (NM_001386146.1, NM_001386150.1, NM_001386149.1 and 1 more transcripts); c.4931A>G, p.Gln1644Arg (NM_001386175.1); and 35 more; short protein forms Q1652R, Q1527R, Q1605R, Q1644R, Q405R.
Identifiers: ClinVar variation 3679855 (VCV003679855.3).